The following is an entry in ClinVar:

ClinVar aggregate classification (germline): Uncertain significance (1 of 4 stars; one submission).

Conditions:
SERPINC1-related disorder. Also called: SERPINC1-related condition.

Submission:

PreventionGenetics, part of Exact Sciences
Classification: Uncertain significance for SERPINC1-related condition. Last evaluated: 2023-07-21. Review status: criteria provided, single submitter. Criteria: ACMG Guidelines, 2015. Collection method: clinical testing. Allele origin: germline.
Comment: The SERPINC1 c.1358delinsATAA variant is predicted to result in an in-frame deletion and insertion. To our knowledge, this variant has not been reported in the literature or in a large population database, indicating this variant is rare. At this time, the clinical significance of this variant is uncertain due to the absence of conclusive functional and genetic evidence.

NM_000488.4(SERPINC1):c.1358delinsATAA (p.Ile453delinsAsnAsn)

Gene: SERPINC1 (serpin family C member 1; minus strand). Cytogenetic location: 1q25.1.
Variant type: Indel.
Coding change: c.1358delinsATAA on transcript NM_000488.4 (MANE Select); coding-DNA position 1358, T replaced by ATAA.
Protein change: p.Ile453delinsAsnAsn.
Molecular consequence: inframe indel.
Genome position (GRCh38, 1-based): chr1:173,903,926, A replaced by TTAT on the plus strand (T replaced by ATAA on the coding strand, the reverse complement: SERPINC1 is on the minus strand). VCF-style: chr1-173903926-A-TTAT. GRCh37 (hg19) VCF-style: chr1-173873064-A-TTAT.
Other names: c.1358delTinsATAA, p.Ile453delinsAsnAsn (NM_000488.3); c.1214delinsATAA, p.Ile405delinsAsnAsn (NM_001365052.2); c.1481delinsATAA, p.Ile494delinsAsnAsn (NM_001386302.1); c.1439delinsATAA, p.Ile480delinsAsnAsn (NM_001386303.1); c.1337delinsATAA, p.Ile446delinsAsnAsn (NM_001386304.1); c.1301delinsATAA, p.Ile434delinsAsnAsn (NM_001386305.1); c.1142delinsATAA, p.Ile381delinsAsnAsn (NM_001386306.1).
Identifiers: ClinVar variation 2631668 (VCV002631668.1), dbSNP rs2526542363, ClinGen allele CA2695199917.